The following is an entry in ClinVar:

ClinVar aggregate classification (germline): Conflicting classifications of pathogenicity. Review status: criteria provided, conflicting classifications (1 of 4 stars). 2 submissions from 2 submitters: Uncertain significance (1); Likely benign (1). Last evaluated 2025-10-06.

Conditions:
Inborn genetic diseases. Identifiers: MedGen C0950123, MeSH D030342.

Allele frequency attached by ClinVar (database versions not stated): TOPMed below 0.00001; gnomAD 0.00001.
gnomAD v4.1: 5 of 1,613,882 alleles (0.00031%); highest among the groups gnomAD compares: Non-Finnish European, 0.00042%; no homozygotes.

Submissions (2):

Ambry Genetics
Classification: Uncertain significance for Inborn genetic diseases. Last evaluated: 2025-10-06. Review status: criteria provided, single submitter. Criteria: Ambry Variant Classification Scheme 2023. Collection method: clinical testing. Allele origin: germline.

CeGaT Center for Human Genetics Tuebingen
Classification: Likely benign. Last evaluated: 2022-10-01. Review status: criteria provided, single submitter. Criteria: CeGaT Center For Human Genetics Tuebingen Variant Classification Criteria Version 2. Collection method: clinical testing. Allele origin: germline. Affected: yes. Observed: 1 variant allele.
Comment: HIVEP2: BP4

NM_006734.4(HIVEP2):c.7204A>C (p.Thr2402Pro)

Gene: HIVEP2 (HIVEP zinc finger 2; minus strand). Cytogenetic location: 6q24.2.
Variant type: single nucleotide variant.
Coding change: c.7204A>C on transcript NM_006734.4 (MANE Select); coding-DNA position 7204, A replaced by C.
Protein change: p.Thr2402Pro; replaces threonine 2402 with proline.
Molecular consequence: missense variant.
Genome position (GRCh38, 1-based): chr6:142,753,244, T>G on the plus strand (A>C on the coding strand, the complement: HIVEP2 is on the minus strand). VCF-style: chr6-142753244-T-G. GRCh37 (hg19) VCF-style: chr6-143074381-T-G.
Other names: c.7204A>C (NM_006734.3); short protein forms T2402P.
Identifiers: ClinVar variation 2656948 (VCV002656948.24), dbSNP rs994493921, ClinGen allele CA365940837.